The following is an entry in ClinVar:

NM_020184.4(CNNM4):c.2251G>C (p.Val751Leu)

Gene: CNNM4 (cyclin and CBS domain divalent metal cation transport mediator 4; plus strand). Cytogenetic location: 2q11.2.
Variant type: single nucleotide variant.
Coding change: c.2251G>C on transcript NM_020184.4 (MANE Select); coding-DNA position 2251, G replaced by C.
Protein change: p.Val751Leu; replaces valine 751 with leucine.
Molecular consequence: missense variant.
Genome position (GRCh38, 1-based): chr2:96,809,440, G>C. VCF-style: chr2-96809440-G-C. GRCh37 (hg19) VCF-style: chr2-97475177-G-C.
Other names: short protein forms V751L.
Identifiers: ClinVar variation 2080848 (VCV002080848.4), dbSNP rs754522377, ClinGen allele CA1783623.

ClinVar aggregate classification (germline): Uncertain significance (1 of 4 stars; one submission).

Allele frequency attached by ClinVar (database versions not stated): TOPMed below 0.00001; ExAC 0.00006.
gnomAD v4.1: 59 of 1,614,214 alleles (0.0037%); highest among the groups gnomAD compares: South Asian, 0.057%; no homozygotes.

Submission:

Labcorp Genetics (formerly Invitae), Labcorp
Classification: Uncertain significance. Last evaluated: 2022-03-06. Review status: criteria provided, single submitter. Criteria: Invitae Variant Classification Sherloc (09022015). Collection method: clinical testing. Allele origin: germline.
Comment: Algorithms developed to predict the effect of missense changes on protein structure and function output the following: SIFT: "Tolerated"; PolyPhen-2: "Benign"; Align-GVGD: "Class C0". The leucine amino acid residue is found in multiple mammalian species, which suggests that this missense change does not adversely affect protein function. In summary, the available evidence is currently insufficient to determine the role of this variant in disease. Therefore, it has been classified as a Variant of Uncertain Significance. This variant has not been reported in the literature in individuals affected with CNNM4-related conditions. This variant is present in population databases (rs754522377, gnomAD 0.05%). This sequence change replaces valine, which is neutral and non-polar, with leucine, which is neutral and non-polar, at codon 751 of the CNNM4 protein (p.Val751Leu).